The following is an entry in ClinVar:

ClinVar aggregate classification (germline): Conflicting classifications of pathogenicity. Review status: criteria provided, conflicting classifications (1 of 4 stars). 2 submissions from 2 submitters: Uncertain significance (1); Benign (1). Last evaluated 2024-01-01.

Conditions:
Familial thoracic aortic aneurysm and aortic dissection (TAAD). Also called: Thoracic aortic aneurysms and dissections. Identifiers: Orphanet 91387, MedGen C4707243, MONDO:0019625.
Adams-Oliver syndrome 5 (AOS5). Identifiers: Orphanet 974, MedGen C4014970, MONDO:0014459, OMIM 616028.

Allele frequency attached by ClinVar (database versions not stated): TOPMed below 0.00001; gnomAD 0.00001; gnomAD exomes 0.00001; ExAC 0.00002; ESP Exome Variant Server 0.00008.
gnomAD v4.1: 11 of 1,612,800 alleles (0.00068%); highest among the groups gnomAD compares: Middle Eastern, 0.017%; no homozygotes.

Submissions (2):

Ambry Genetics
Classification: Uncertain significance for Familial thoracic aortic aneurysm and aortic dissection. Last evaluated: 2024-01-01. Review status: criteria provided, single submitter. Criteria: Ambry Variant Classification Scheme 2023. Collection method: clinical testing. Allele origin: germline.
Comment: The p.R2313W variant (also known as c.6937C>T), located in coding exon 34 of the NOTCH1 gene, results from a C to T substitution at nucleotide position 6937. The arginine at codon 2313 is replaced by tryptophan, an amino acid with dissimilar properties. This amino acid position is conserved. In addition, the in silico prediction for this alteration is inconclusive. Since supporting evidence is limited at this time, the clinical significance of this alteration remains unclear.

Labcorp Genetics (formerly Invitae), Labcorp
Classification: Benign for Adams-Oliver syndrome 5. Last evaluated: 2023-12-14. Review status: criteria provided, single submitter. Criteria: Invitae Variant Classification Sherloc (09022015). Collection method: clinical testing. Allele origin: germline.

NM_017617.5(NOTCH1):c.6937C>T (p.Arg2313Trp)

Gene: NOTCH1 (notch receptor 1; minus strand). Cytogenetic location: 9q34.3.
Variant type: single nucleotide variant.
Coding change: c.6937C>T on transcript NM_017617.5 (MANE Select); coding-DNA position 6937, C replaced by T.
Protein change: p.Arg2313Trp; replaces arginine 2313 with tryptophan.
Molecular consequence: missense variant.
Genome position (GRCh38, 1-based): chr9:136,496,802, G>A on the plus strand (C>T on the coding strand, the complement: NOTCH1 is on the minus strand). VCF-style: chr9-136496802-G-A. GRCh37 (hg19) VCF-style: chr9-139391254-G-A.
Other names: c.6937C>T, p.Arg2313Trp (LRG_1122t1); short protein forms R2313W.
Identifiers: ClinVar variation 661050 (VCV000661050.7), dbSNP rs374453977, ClinGen allele CA5339788.